The following is an entry in ClinVar:

ClinVar aggregate classification (germline): Conflicting classifications of pathogenicity. Review status: criteria provided, conflicting classifications (1 of 4 stars). 2 submissions from 2 submitters: Likely pathogenic (1); Uncertain significance (1). Last evaluated 2020-02-21.

Conditions:
Familial thoracic aortic aneurysm and aortic dissection (TAAD). Also called: Thoracic aortic aneurysms and dissections. Identifiers: Orphanet 91387, MedGen C4707243, MONDO:0019625.

Submissions (2):

GeneDx
Classification: Likely pathogenic. Last evaluated: 2020-02-21. Review status: criteria provided, single submitter. Criteria: GeneDx Variant Classification Process June 2021. Collection method: clinical testing. Allele origin: germline. Affected: yes.
Comment: Has not been previously published as pathogenic or benign to our knowledge; Reported in ClinVar as a variant of uncertain significance (ClinVar Variant ID# 477550; Landrum et al., 2016); Not observed in large population cohorts (Lek et al., 2016); In silico analysis, which includes protein predictors and evolutionary conservation, supports a deleterious effect

Labcorp Genetics (formerly Invitae), Labcorp
Classification: Uncertain significance for Familial thoracic aortic aneurysm and aortic dissection. Last evaluated: 2017-02-21. Review status: criteria provided, single submitter. Criteria: Invitae Variant Classification Sherloc (09022015). Collection method: clinical testing. Allele origin: germline.
Comment: This variant is not present in population databases (ExAC no frequency) and has not been reported in the literature in individuals with a TGFBR2-related disease. In summary, this variant is a novel missense change with uncertain impact on protein function. It has been classified as a Variant of Uncertain Significance. Algorithms developed to predict the effect of missense changes on protein structure and function (SIFT, PolyPhen-2, Align-GVGD) all suggest that this variant is likely to be disruptive, but these predictions have not been confirmed by published functional studies. This sequence change replaces leucine with arginine at codon 305 of the TGFBR2 protein (p.Leu305Arg). The leucine residue is highly conserved and there is a moderate physicochemical difference between leucine and arginine.

NM_003242.6(TGFBR2):c.914T>G (p.Leu305Arg)

Gene: TGFBR2 (transforming growth factor beta receptor 2; plus strand). Cytogenetic location: 3p24.1.
Variant type: single nucleotide variant.
Coding change: c.914T>G on transcript NM_003242.6 (MANE Select); coding-DNA position 914, T replaced by G.
Protein change: p.Leu305Arg; replaces leucine 305 with arginine.
Molecular consequence: missense variant.
Genome position (GRCh38, 1-based): chr3:30,672,097, T>G. VCF-style: chr3-30672097-T-G. GRCh37 (hg19) VCF-style: chr3-30713589-T-G.
Other names: c.989T>G, p.Leu330Arg (NM_001024847.3); c.1097T>G, p.Leu366Arg (NM_001407126.1); c.1022T>G, p.Leu341Arg (NM_001407127.1); c.941T>G, p.Leu314Arg (NM_001407128.1); c.917T>G, p.Leu306Arg (NM_001407129.1); c.914T>G, p.Leu305Arg (NM_001407130.1); c.809T>G, p.Leu270Arg (NM_001407132.1, NM_001407133.1, NM_001407134.1 and 2 more transcripts); c.629T>G, p.Leu210Arg (NM_001407137.1); and 1 more; short protein forms L330R, L305R, L306R, L210R, L341R, L185R, L314R, L366R.
Identifiers: ClinVar variation 477550 (VCV000477550.8), dbSNP rs1553630174, ClinGen allele CA351808159.
Genomic context (GRCh38, chr3:30,672,097, plus strand): 5'-CCTCTTGGAAGACAGAGAAGGACATCTTCTCAGACATCAATCTGAAGCATGAGAACATAC[T>G]CCAGTTCCTGACGGCTGAGGAGCGGAAGACGGAGTTGGGGAAACAATACTGGCTGATCAC-3'
Protein context (NP_003233.4, residues 295-315): SDINLKHENI[Leu305Arg]QFLTAEERKT